The following is an entry in ClinVar:

NM_001080449.3(DNA2):c.2967T>C (p.Thr989=)

Gene: DNA2 (DNA replication helicase/nuclease 2; minus strand). Cytogenetic location: 10q21.3.
Variant type: single nucleotide variant.
Coding change: c.2967T>C on transcript NM_001080449.3 (MANE Select); coding-DNA position 2967, T replaced by C.
Protein change: p.Thr989=; no amino-acid change (threonine 989 retained).
Molecular consequence: synonymous variant. On other transcripts: non-coding transcript variant (1).
Genome position (GRCh38, 1-based): chr10:68,419,034, A>G on the plus strand (T>C on the coding strand, the complement: DNA2 is on the minus strand). VCF-style: chr10-68419034-A-G. GRCh37 (hg19) VCF-style: chr10-70178791-A-G.
Identifiers: ClinVar variation 1365668 (VCV001365668.8), dbSNP rs201688598, ClinGen allele CA5524702.

ClinVar aggregate classification (germline): Uncertain significance (1 of 4 stars; one submission).

Allele frequency attached by ClinVar (database versions not stated): gnomAD 0.00001; TOPMed 0.00002; 1000 Genomes Project 0.00020; 1000 Genomes Project 30x 0.00031.
gnomAD v4.1: 7 of 1,582,744 alleles (0.00044%); highest among the groups gnomAD compares: African/African-American, 0.0096%; no homozygotes.

Submission:

Labcorp Genetics (formerly Invitae), Labcorp
Classification: Uncertain significance. Last evaluated: 2021-01-04. Review status: criteria provided, single submitter. Criteria: Invitae Variant Classification Sherloc (09022015). Collection method: clinical testing. Allele origin: germline.
Comment: This variant has not been reported in the literature in individuals with DNA2-related conditions. Algorithms developed to predict the effect of sequence changes on RNA splicing suggest that this variant is not likely to affect RNA splicing, but this prediction has not been confirmed by published transcriptional studies. In summary, the available evidence is currently insufficient to determine the role of this variant in disease. Therefore, it has been classified as a Variant of Uncertain Significance. This variant is present in population databases (rs201688598, ExAC 0.01%). This sequence change affects codon 989 of the DNA2 mRNA. It is a 'silent' change, meaning that it does not change the encoded amino acid sequence of the DNA2 protein. It affects a nucleotide within the consensus splice site of the intron.